The following is an entry in ClinVar:

NM_004715.5(CTDP1):c.325G>A (p.Val109Met)

Gene: CTDP1 (CTD phosphatase subunit 1; plus strand). Cytogenetic location: 18q23.
Variant type: single nucleotide variant.
Coding change: c.325G>A on transcript NM_004715.5 (MANE Select); coding-DNA position 325, G replaced by A.
Protein change: p.Val109Met; replaces valine 109 with methionine.
Molecular consequence: missense variant. On other transcripts: 5 prime UTR variant (1).
Genome position (GRCh38, 1-based): chr18:79,695,235, G>A. VCF-style: chr18-79695235-G-A. GRCh37 (hg19) VCF-style: chr18-77455235-G-A.
Other names: c.-33G>A (NM_001202504.1); c.325G>A, p.Val109Met (NM_001318511.2, NM_048368.4); short protein forms V109M.
Identifiers: ClinVar variation 2172735 (VCV002172735.3), dbSNP rs758002025, ClinGen allele CA9009913.
Genomic context (GRCh38, chr18:79,695,235, plus strand): 5'-TGATAAACCAAGAGATTTTAAAGTGTTGTTCCCCTTGTGTTTTTTTGTAGAGCGGTTCTG[G>A]TGAGGTTGGAAGGATGCAGCCACCCGGTTGTCATGAAAGGCCTGTGTGCTGAATGTGGCC-3'
Protein context (NP_004706.3, residues 99-119): GQVVAPGAVL[Val109Met]RLEGCSHPVV

ClinVar aggregate classification (germline): Uncertain significance (1 of 4 stars; one submission).

Allele frequency attached by ClinVar (database versions not stated): ExAC 0.00002; gnomAD 0.00002; TOPMed 0.00003.
gnomAD v4.1: 12 of 1,614,014 alleles (0.00074%); highest among the groups gnomAD compares: African/African-American, 0.015%; no homozygotes.

Submission:

Labcorp Genetics (formerly Invitae), Labcorp
Classification: Uncertain significance. Last evaluated: 2024-06-16. Review status: criteria provided, single submitter. Criteria: Invitae Variant Classification Sherloc (09022015). Collection method: clinical testing. Allele origin: germline.
Comment: This sequence change replaces valine, which is neutral and non-polar, with methionine, which is neutral and non-polar, at codon 109 of the CTDP1 protein (p.Val109Met). This variant is present in population databases (rs758002025, gnomAD 0.02%). This variant has not been reported in the literature in individuals affected with CTDP1-related conditions. ClinVar contains an entry for this variant (Variation ID: 2172735). An algorithm developed to predict the effect of missense changes on protein structure and function (PolyPhen-2) suggests that this variant is likely to be disruptive. In summary, the available evidence is currently insufficient to determine the role of this variant in disease. Therefore, it has been classified as a Variant of Uncertain Significance.